The following is an entry in ClinVar:

NM_000091.5(COL4A3):c.1927+2T>C

Genes: MFF-DT (MFF divergent transcript; minus strand), COL4A3 (collagen type IV alpha 3 chain; plus strand). Cytogenetic location: 2q36.3.
Variant type: single nucleotide variant.
Coding change: c.1927+2T>C on transcript NM_000091.5 (MANE Select); the canonical splice donor site of the intron after coding-DNA position 1927, T replaced by C.
Molecular consequence: splice donor variant.
Genome position (GRCh38, 1-based): chr2:227,273,119, T>C. VCF-style: chr2-227273119-T-C. GRCh37 (hg19) VCF-style: chr2-228137835-T-C.
Identifiers: ClinVar variation 557089 (VCV000557089.8), dbSNP rs1158937060, ClinGen allele CA350845077.

ClinVar aggregate classification (germline): Likely pathogenic. Review status: criteria provided, multiple submitters, no conflicts (2 of 4 stars). 3 submissions from 3 submitters: Likely pathogenic (2). 1 of the submissions does not count toward it. Last evaluated 2024-03-06.

Conditions:
Autosomal dominant Alport syndrome (ATS3A). Also called: ALPORT SYNDROME 3A, AUTOSOMAL DOMINANT; Alport syndrome dominant type; Renal failure and sensorineural hearing loss. Identifiers: Orphanet 63, Orphanet 88918, MedGen C5882663, MONDO:0007086, OMIM 104200.
Hematuria, benign familial, 2 (BFH2). Identifiers: MedGen C5830421, MONDO:0958186, OMIM 620320.
Alport syndrome 3b, autosomal recessive. Identifiers: MedGen C5882699, MONDO:0957811, OMIM 620536.
Autosomal recessive Alport syndrome (ATS2). Also called: Alport syndrome type 2; ALPORT SYNDROME 2, AUTOSOMAL RECESSIVE; COL4A3-Related Nephropathy; COL4A4 Alport Syndrome and Thin Basement Membrane Nephropathy. Identifiers: Orphanet 63, Orphanet 88919, MedGen C4746745, MONDO:0008762, OMIM 203780.

Allele frequency attached by ClinVar (database versions not stated): gnomAD exomes below 0.00001; gnomAD 0.00001; TOPMed 0.00001.
gnomAD v4.1: 5 of 1,612,822 alleles (0.00031%); highest among the groups gnomAD compares: East Asian, 0.0022%; no homozygotes.

Submissions (3):

Fulgent Genetics
Classification: Likely pathogenic for Autosomal dominant Alport syndrome; Hematuria, benign familial, 2; Alport syndrome 3b, autosomal recessive. Last evaluated: 2024-03-06. Review status: criteria provided, single submitter. Criteria: ACMG Guidelines, 2015. Collection method: clinical testing. Allele origin: germline.

Labcorp Genetics (formerly Invitae), Labcorp
Classification: Likely pathogenic. Last evaluated: 2023-12-16. Review status: criteria provided, single submitter. Criteria: Invitae Variant Classification Sherloc (09022015). Collection method: clinical testing. Allele origin: germline.
Comment: This sequence change affects a donor splice site in intron 26 of the COL4A3 gene. It is expected to disrupt RNA splicing. Variants that disrupt the donor or acceptor splice site typically lead to a loss of protein function (PMID: 16199547), and loss-of-function variants in COL4A3 are known to be pathogenic (PMID: 8956999, 24854265, 26809805, 27281700). This variant is present in population databases (no rsID available, gnomAD 0.0009%). This variant has not been reported in the literature in individuals affected with COL4A3-related conditions. ClinVar contains an entry for this variant (Variation ID: 557089). Algorithms developed to predict the effect of sequence changes on RNA splicing suggest that this variant may disrupt the consensus splice site. In summary, the currently available evidence indicates that the variant is pathogenic, but additional data are needed to prove that conclusively. Therefore, this variant has been classified as Likely Pathogenic.

Counsyl
Classification: Likely pathogenic for Autosomal recessive Alport syndrome. Last evaluated: 2018-03-07. Review status: no assertion criteria provided. Collection method: clinical testing. Allele origin: unknown. Not counted in ClinVar's aggregate classification.

Literature cited by the submitters: PubMed 16199547 (cited by Labcorp Genetics (formerly Invitae), Labcorp); PubMed 8956999 (cited by Labcorp Genetics (formerly Invitae), Labcorp); PubMed 24854265 (cited by Labcorp Genetics (formerly Invitae), Labcorp); PubMed 26809805 (cited by Labcorp Genetics (formerly Invitae), Labcorp); PubMed 27281700 (cited by Labcorp Genetics (formerly Invitae), Labcorp).